The following is an entry in ClinVar:

NM_000465.4(BARD1):c.1389A>G (p.Thr463=)

Gene: BARD1 (BRCA1 associated RING domain 1; minus strand). Cytogenetic location: 2q35.
Variant type: single nucleotide variant.
Coding change: c.1389A>G on transcript NM_000465.4 (MANE Select); coding-DNA position 1389, A replaced by G.
Protein change: p.Thr463=; no amino-acid change (threonine 463 retained).
Molecular consequence: synonymous variant. On other transcripts: non-coding transcript variant (3), intron variant (3).
Genome position (GRCh38, 1-based): chr2:214,769,238, T>C on the plus strand (A>G on the coding strand, the complement: BARD1 is on the minus strand). VCF-style: chr2-214769238-T-C. GRCh37 (hg19) VCF-style: chr2-215633962-T-C.
Other names: c.1332A>G, p.Thr444= (NM_001282543.2); c.159-16683A>G (NM_001282548.2); c.216-16683A>G (NM_001282545.2); c.364+23059A>G (NM_001282549.2).
Identifiers: ClinVar variation 414112 (VCV000414112.22), dbSNP rs748796794, ClinGen allele CA2090273.

ClinVar aggregate classification (germline): Benign/Likely benign. Review status: criteria provided, multiple submitters, no conflicts (2 of 4 stars). 6 submissions from 6 submitters: Benign (1); Likely benign (5). Last evaluated 2025-11-18.

Conditions:
Familial cancer of breast. Also called: Hereditary breast cancer; hereditary breast carcinoma; BREAST CANCER, FAMILIAL. Identifiers: Orphanet 227535, MedGen C0346153, MONDO:0016419, OMIM 114480. Disease mechanism: loss of function.
Hereditary cancer-predisposing syndrome. Also called: Neoplastic Syndromes, Hereditary; Tumor predisposition; Hereditary Cancer Syndrome; Hereditary neoplastic syndrome. Identifiers: Orphanet 140162, MedGen C0027672, MeSH D009386, MONDO:0015356.

Allele frequency attached by ClinVar (database versions not stated): ExAC 0.00001; gnomAD exomes 0.00001; TOPMed 0.00003.
gnomAD v4.1: 2 of 1,611,100 alleles (0.00012%); highest among the groups gnomAD compares: Admixed American, 0.0033%; no homozygotes.

Submissions (6):

Labcorp Genetics (formerly Invitae), Labcorp
Classification: Likely benign for Familial cancer of breast. Last evaluated: 2025-11-18. Review status: criteria provided, single submitter. Criteria: Invitae Variant Classification Sherloc (09022015). Collection method: clinical testing. Allele origin: germline.

Women's Health and Genetics/Laboratory Corporation of America, LabCorp
Classification: Likely benign. Last evaluated: 2024-08-30. Review status: criteria provided, single submitter. Criteria: LabCorp Variant Classification Summary - May 2015. Collection method: clinical testing. Allele origin: germline.

Myriad Genetics, Inc.
Classification: Benign for Familial cancer of breast. Last evaluated: 2024-07-25. Review status: criteria provided, single submitter. Criteria: Myriad Autosomal Dominant, Autosomal Recessive and X-Linked Classification Criteria (2023). Collection method: clinical testing. Allele origin: unknown.
Comment: This variant is considered benign. This variant is a silent/synonymous amino acid change and it is not expected to impact splicing.

Quest Diagnostics Nichols Institute San Juan Capistrano
Classification: Likely benign. Last evaluated: 2023-05-12. Review status: criteria provided, single submitter. Criteria: Quest Diagnostics criteria. Collection method: clinical testing. Allele origin: unknown.

Color Diagnostics, LLC DBA Color Health
Classification: Likely benign for Hereditary cancer-predisposing syndrome. Last evaluated: 2017-12-24. Review status: criteria provided, single submitter. Criteria: ACMG Guidelines, 2015. Collection method: clinical testing. Allele origin: germline.

Ambry Genetics
Classification: Likely benign for Hereditary cancer-predisposing syndrome. Last evaluated: 2016-01-15. Review status: criteria provided, single submitter. Criteria: Ambry Variant Classification Scheme 2023. Collection method: clinical testing. Allele origin: germline.